The following is an entry in ClinVar:

ClinVar aggregate classification (germline): Pathogenic (1 of 4 stars; one submission).

Conditions:
TWIST1-related craniosynostosis (CRS1). Also called: CRANIOSYNOSTOSIS 1. Identifiers: Orphanet 63440, MedGen C4551902, MONDO:0007399, OMIM 123100. Inheritance: Heterogenous inheritance pattern.

Submission:

Labcorp Genetics (formerly Invitae), Labcorp
Classification: Pathogenic for TWIST1-related craniosynostosis. Last evaluated: 2018-06-28. Review status: criteria provided, single submitter. Criteria: Invitae Variant Classification Sherloc (09022015). Collection method: clinical testing. Allele origin: germline.
Comment: This variant is a partial deletion of exon 1 of the ERF gene, which includes the initiator codon. The 5' end of this event is located 44 nucleotides upstream of the initiator codon and the 3' boundary is confined to intron 1 of the ERF gene (c.-44_22+11del). This is expected to result in an absent or disrupted protein product. While this variant is not present in population databases, the frequency information is unreliable, as metrics indicate poor data quality at this position in the ExAC database. However, it has also been observed in one or more individuals who were not affected with craniosynostosis (Invitae). Algorithms developed to predict the effect of sequence changes on RNA splicing suggest that this variant may disrupt the consensus splice site, but this prediction has not been confirmed by published transcriptional studies. For these reasons, this variant has been classified as Pathogenic.

NC_000019.9:g.(?_42759120)_42759196del

Gene: ERF (ETS2 repressor factor; minus strand).
Variant type: Deletion.
Identifiers: ClinVar variation 1070490 (VCV001070490.2).